The following is an entry in ClinVar:

ClinVar aggregate classification (germline): Conflicting classifications of pathogenicity. Review status: criteria provided, conflicting classifications (1 of 4 stars). 3 submissions from 3 submitters: Uncertain significance (2); Likely benign (1). Last evaluated 2024-10-15.

Submissions (3):

Blueprint Genetics
Classification: Uncertain significance. Last evaluated: 2024-10-15. Review status: criteria provided, single submitter. Criteria: ACMG Guidelines, 2015. Collection method: clinical testing. Allele origin: germline.

GeneDx
Classification: Likely benign. Last evaluated: 2018-06-13. Review status: criteria provided, single submitter. Criteria: GeneDx Variant Classification (06012015). Collection method: clinical testing. Allele origin: germline. Affected: yes.
Comment: This variant is considered likely benign or benign based on one or more of the following criteria: it is a conservative change, it occurs at a poorly conserved position in the protein, it is predicted to be benign by multiple in silico algorithms, and/or has population frequency not consistent with disease.

Laboratory for Molecular Medicine, Mass General Brigham Personalized Medicine
Classification: Uncertain significance. Last evaluated: 2017-09-22. Review status: criteria provided, single submitter. Criteria: LMM Criteria. Collection method: clinical testing. Allele origin: germline. Observed: 2 variant alleles.
Comment: Variant classified as Uncertain Significance - Favor Benign. The p.Glu976_Glu978 del variant in LOXHD1 has now been identified by our laboratory in the heterozyg ous state in 2 individuals with hearing loss, neither of whom had a variant affe cting the other copy of the LOXHD1 gene. This variant is located within a polygl utamic acid tract that consists of 8 glutamic acid (Glu) residues in the human r eference genome, and results in an in-frame deletion of 3 glutamic acids (Glu) r esidues. This variant has been identified in 7/73148 European chromosomes and a similar variant resulting the same amino acid change has been identified in 48/2 2822 (0.2%) of South Asian chromosomes including 1 homozygote by the Genome Aggr egation Database (gnomAD; dbSNP rs765944082 an d rs753461629). The variant is not predicted to alter the reading frame of the p rotein and the polyglutamic acid tract region where the variant occurs is poorly conserved across species, suggesting that the variant may be tolerated; however , this information is not sufficient to rule out pathogenicity. In summary, whil e the clinical significance of the p.Glu976_Glu978del variant is uncertain, avai lable data suggest that it is more likely to be benign.

NM_001384474.1(LOXHD1):c.2916AGAGGAGGA[1] (p.Glu976_Glu978del)

Gene: LOXHD1 (lipoxygenase homology PLAT domains 1; minus strand). Cytogenetic location: 18q21.1.
Variant type: Microsatellite.
Coding change: c.2916AGAGGAGGA[1] on transcript NM_001384474.1 (MANE Select); one copy of the 9-base unit AGAGGAGGA starting at c.2916; the reference has two copies in a row; one copy, 9 bases deleted.
Protein change: p.Glu976_Glu978del.
Molecular consequence: inframe deletion.
Genome position (GRCh38, 1-based): chr18:46,560,211-46,560,219, TCCTCCTCT deleted on the plus strand (AGAGGAGGA on the coding strand, the reverse complement: LOXHD1 is on the minus strand); deleting any 9 consecutive bases within chr18:46,560,211-46,560,230 gives the same sequence; the position shown is the placement nearest the transcript's 3' end. VCF-style (leftmost placement, unchanged base first): chr18-46560210-CTCCTCCTCT-C. GRCh37 (hg19) VCF-style: chr18-44140173-CTCCTCCTCT-C.
Other names: c.2925_2933delAGAGGAGGA (NM_144612.6); c.2916AGAGGAGGA[1], p.Glu976_Glu978del (NM_144612.7).
Identifiers: ClinVar variation 505089 (VCV000505089.6), dbSNP rs765944082, ClinGen allele CA8952593.